The following is an entry in ClinVar:

NM_052947.4(ALPK2):c.2991G>T (p.Glu997Asp)

Gene: ALPK2 (alpha kinase 2; minus strand). Cytogenetic location: 18q21.31.
Variant type: single nucleotide variant.
Coding change: c.2991G>T on transcript NM_052947.4 (MANE Select); coding-DNA position 2991, G replaced by T.
Protein change: p.Glu997Asp; replaces glutamic acid 997 with aspartic acid.
Molecular consequence: missense variant.
Genome position (GRCh38, 1-based): chr18:58,537,196, C>A on the plus strand (G>T on the coding strand, the complement: ALPK2 is on the minus strand). VCF-style: chr18-58537196-C-A. GRCh37 (hg19) VCF-style: chr18-56204428-C-A.
Other names: short protein forms E997D.
Identifiers: ClinVar variation 2451134 (VCV002451134.2), dbSNP rs1269294648, ClinGen allele CA402569336.

ClinVar aggregate classification (germline): Uncertain significance (1 of 4 stars; one submission).

Allele frequency attached by ClinVar (database versions not stated): TOPMed below 0.00001; gnomAD 0.00001.
gnomAD v4.1: 18 of 1,613,986 alleles (0.0011%); highest among the groups gnomAD compares: East Asian, 0.04%; no homozygotes.

Submission:

Ambry Genetics
Classification: Uncertain significance. Last evaluated: 2022-12-18. Review status: criteria provided, single submitter. Criteria: Ambry Variant Classification Scheme 2023. Collection method: clinical testing. Allele origin: germline.
Comment: The p.E997D variant (also known as c.2991G>T), located in coding exon 4 of the ALPK2 gene, results from a G to T substitution at nucleotide position 2991. The glutamic acid at codon 997 is replaced by aspartic acid, an amino acid with highly similar properties. This amino acid position is conserved. In addition, this alteration is predicted to be tolerated by in silico analysis. Since supporting evidence is limited at this time, the clinical significance of this alteration remains unclear.